The following is an entry in ClinVar:

NM_002582.4(PARN):c.659+4_659+7del

Gene: PARN (poly(A)-specific ribonuclease; minus strand). Cytogenetic location: 16p13.12.
Variant type: Microsatellite.
Coding change: c.659+4_659+7del on transcript NM_002582.4 (MANE Select); bases 4 to 7 of the intron after coding-DNA position 659, 4 bases deleted (AGTA; older notation c.659+4_659+7delAGTA).
Molecular consequence: splice donor variant.
Genome position (GRCh38, 1-based): chr16:14,608,274-14,608,277, TACT deleted on the plus strand (AGTA on the coding strand, the reverse complement: PARN is on the minus strand); deleting any 4 consecutive bases within chr16:14,608,274-14,608,282 gives the same sequence; the c. name uses the placement nearest the transcript's 3' end. VCF-style (leftmost placement, unchanged base first): chr16-14608273-ATACT-A. GRCh37 (hg19) VCF-style: chr16-14702130-ATACT-A.
Other names: c.476+4_476+7del (NM_001134477.3); c.521+4_521+7del (NM_001242992.2).
Identifiers: ClinVar variation 190291 (VCV000190291.12), dbSNP rs759131762, ClinGen allele CA250323.

ClinVar aggregate classification (germline): Conflicting classifications of pathogenicity. Review status: criteria provided, conflicting classifications (1 of 4 stars). 5 submissions from 5 submitters: Likely pathogenic (1); Uncertain significance (3). 1 of the submissions does not count toward it. Last evaluated 2026-03-03.

Conditions:
Pulmonary fibrosis and/or bone marrow failure, Telomere-related, 4. Also called: PULMONARY FIBROSIS AND/OR BONE MARROW FAILURE SYNDROME, TELOMERE-RELATED, 4. Identifiers: Orphanet 2032, MedGen C4225347, MONDO:0014612, OMIM 616371.
Dyskeratosis congenita, autosomal recessive 6 (DKCB6). Identifiers: MedGen C4225356, MONDO:0014600, OMIM 616353.

Submissions (5):

GeneDx
Classification: Likely pathogenic. Last evaluated: 2026-03-03. Review status: criteria provided, single submitter. Criteria: GeneDx Variant Classification Process June 2021. Collection method: clinical testing. Allele origin: germline. Affected: yes.
Comment: Intronic +5 splice site variant in a gene for which loss of function is a known mechanism of disease, and both splice predictors and evolutionary conservation support a deleterious effect, although in the absence of functional evidence the actual effect of this sequence change is unknown.; This variant is associated with the following publications: (PMID: 17576681, 9536098, 25893599, 40438983)

Labcorp Genetics (formerly Invitae), Labcorp
Classification: Uncertain significance for Dyskeratosis congenita, autosomal recessive 6; Pulmonary fibrosis and/or bone marrow failure, Telomere-related, 4. Last evaluated: 2024-11-11. Review status: criteria provided, single submitter. Criteria: Invitae Variant Classification Sherloc (09022015). Collection method: clinical testing. Allele origin: germline.
Comment: This sequence change falls in intron 9 of the PARN gene. It does not directly change the encoded amino acid sequence of the PARN protein. It affects a nucleotide within the consensus splice site. This variant is present in population databases (rs759131762, gnomAD 0.01%). This variant has been observed in individual(s) with bone marrow failure (PMID: 25893599). Variants that disrupt the consensus splice site are a relatively common cause of aberrant splicing (PMID: 17576681, 9536098). Algorithms developed to predict the effect of sequence changes on RNA splicing suggest that this variant may disrupt the consensus splice site. In summary, the available evidence is currently insufficient to determine the role of this variant in disease. Therefore, it has been classified as a Variant of Uncertain Significance.

Fulgent Genetics
Classification: Uncertain significance for Dyskeratosis congenita, autosomal recessive 6; Pulmonary fibrosis and/or bone marrow failure, Telomere-related, 4. Last evaluated: 2024-04-16. Review status: criteria provided, single submitter. Criteria: ACMG Guidelines, 2015. Collection method: clinical testing. Allele origin: germline.

Blueprint Genetics
Classification: Uncertain significance. Last evaluated: 2023-10-17. Review status: criteria provided, single submitter. Criteria: ACMG Guidelines, 2015. Collection method: clinical testing. Allele origin: germline.

OMIM
Classification: Pathogenic for DYSKERATOSIS CONGENITA, AUTOSOMAL RECESSIVE 6. Last evaluated: 2015-05-01. Review status: no assertion criteria provided. Collection method: literature only. Allele origin: germline. Not counted in ClinVar's aggregate classification.

Literature cited by the submitters: PubMed 25893599 (cited by Labcorp Genetics (formerly Invitae), Labcorp and OMIM); PubMed 17576681 (cited by Labcorp Genetics (formerly Invitae), Labcorp); PubMed 9536098 (cited by Labcorp Genetics (formerly Invitae), Labcorp).